The following is an entry in ClinVar:

NM_000051.4(ATM):c.334del (p.Ala112fs)

Gene: ATM (ATM serine/threonine kinase; plus strand). Cytogenetic location: 11q22.3.
Variant type: Deletion.
Coding change: c.334del on transcript NM_000051.4 (MANE Select); coding-DNA position 334, one base deleted (G; older notation c.334delG).
Protein change: p.Ala112fs; shifts the reading frame from alanine 112.
Molecular consequence: frameshift variant.
Genome position (GRCh38, 1-based): chr11:108,235,672, G deleted. VCF-style (leftmost placement, unchanged base first): chr11-108235671-AG-A. GRCh37 (hg19) VCF-style: chr11-108106398-AG-A.
Other names: c.334del, p.Ala112fs (NM_001351834.2); short protein forms A112fs.
Identifiers: ClinVar variation 3148492 (VCV003148492.1), dbSNP rs2497016023, ClinGen allele CA2825001749.

ClinVar aggregate classification (germline): Pathogenic (1 of 4 stars; one submission).

Conditions:
Familial cancer of breast. Also called: BREAST CANCER, FAMILIAL; Hereditary breast cancer; hereditary breast carcinoma. Identifiers: Orphanet 227535, MedGen C0346153, MONDO:0016419, OMIM 114480. Disease mechanism: loss of function.

Submission:

Myriad Genetics, Inc.
Classification: Pathogenic for Familial cancer of breast. Last evaluated: 2024-01-09. Review status: criteria provided, single submitter. Criteria: Myriad Autosomal Dominant, Autosomal Recessive and X-Linked Classification Criteria (2023). Collection method: clinical testing. Allele origin: unknown.
Comment: This variant is considered pathogenic. This variant creates a frameshift predicted to result in premature protein truncation.